The following is an entry in ClinVar:

NM_001128.6(AP1G1):c.140G>C (p.Cys47Ser)

Gene: AP1G1 (adaptor related protein complex 1 subunit gamma 1; minus strand). Cytogenetic location: 16q22.2.
Variant type: single nucleotide variant.
Coding change: c.140G>C on transcript NM_001128.6 (MANE Select); coding-DNA position 140, G replaced by C.
Protein change: p.Cys47Ser; replaces cysteine 47 with serine.
Molecular consequence: missense variant.
Genome position (GRCh38, 1-based): chr16:71,789,340, C>G on the plus strand (G>C on the coding strand, the complement: AP1G1 is on the minus strand). VCF-style: chr16-71789340-C-G. GRCh37 (hg19) VCF-style: chr16-71823243-C-G.
Other names: c.140G>C, p.Cys47Ser (NM_001030007.2); short protein forms C47S.
Identifiers: ClinVar variation 3774290 (VCV003774290.1).

ClinVar aggregate classification (germline): Uncertain significance (1 of 4 stars; one submission).

Submission:

GeneDx
Classification: Uncertain significance. Last evaluated: 2024-09-24. Review status: criteria provided, single submitter. Criteria: GeneDx Variant Classification Process June 2021. Collection method: clinical testing. Allele origin: germline. Affected: yes.
Comment: Not observed at significant frequency in large population cohorts (gnomAD); In silico analysis supports that this missense variant has a deleterious effect on protein structure/function; Has not been previously published as pathogenic or benign to our knowledge